The following is an entry in ClinVar:

ClinVar aggregate classification (germline): Uncertain significance (1 of 4 stars; one submission).

Allele frequency attached by ClinVar (database versions not stated): gnomAD exomes below 0.00001; ExAC 0.00001.

Submission:

Labcorp Genetics (formerly Invitae), Labcorp
Classification: Uncertain significance. Last evaluated: 2023-04-04. Review status: criteria provided, single submitter. Criteria: Invitae Variant Classification Sherloc (09022015). Collection method: clinical testing. Allele origin: germline.
Comment: This sequence change falls in intron 45 of the POLE gene. It does not directly change the encoded amino acid sequence of the POLE protein. It affects a nucleotide within the consensus splice site. This variant is present in population databases (rs773192012, gnomAD 0.0009%). This variant has not been reported in the literature in individuals affected with POLE-related conditions. Variants that disrupt the consensus splice site are a relatively common cause of aberrant splicing (PMID: 17576681, 9536098). Algorithms developed to predict the effect of sequence changes on RNA splicing suggest that this variant may disrupt the consensus splice site. In summary, the available evidence is currently insufficient to determine the role of this variant in disease. Therefore, it has been classified as a Variant of Uncertain Significance.

Literature cited by the submitters: PubMed 17576681; PubMed 9536098.

NM_006231.4(POLE):c.6330+3_6330+5del

Gene: POLE (DNA polymerase epsilon, catalytic subunit; minus strand). Cytogenetic location: 12q24.33.
Variant type: Deletion.
Coding change: c.6330+3_6330+5del on transcript NM_006231.4 (MANE Select); bases 3 to 5 of the intron after coding-DNA position 6330, 3 bases deleted (GAG; older notation c.6330+3_6330+5delGAG).
Molecular consequence: intron variant.
Genome position (GRCh38, 1-based): chr12:132,632,310-132,632,312, CTC deleted on the plus strand (GAG on the coding strand, the reverse complement: POLE is on the minus strand). VCF-style (leftmost placement, unchanged base first): chr12-132632309-TCTC-T. GRCh37 (hg19) VCF-style: chr12-133208895-TCTC-T.
Identifiers: ClinVar variation 2851943 (VCV002851943.3), dbSNP rs773192012, ClinGen allele CA6892221.
Genomic context (GRCh38, chr12:132,632,309, plus strand): 5'-AGTAACATTCTCGCCTTACACATGTACGTTAGTGTCCTCTCCTCACACGCACGCTGGCAC[TCTC>T]ACCTTGCACACGTATTTGATGAACTCCAGGGCAGGGTTATTGAGCAGCAAGTGGGAACCG-3'